The following is an entry in ClinVar:

NM_002180.3(IGHMBP2):c.2205G>C (p.Glu735Asp)

Gene: IGHMBP2 (immunoglobulin mu DNA binding protein 2; plus strand). Cytogenetic location: 11q13.3.
Variant type: single nucleotide variant.
Coding change: c.2205G>C on transcript NM_002180.3 (MANE Select); coding-DNA position 2205, G replaced by C.
Protein change: p.Glu735Asp; replaces glutamic acid 735 with aspartic acid.
Molecular consequence: missense variant.
Genome position (GRCh38, 1-based): chr11:68,936,685, G>C. VCF-style: chr11-68936685-G-C. GRCh37 (hg19) VCF-style: chr11-68704153-G-C.
Other names: short protein forms E735D.
Identifiers: ClinVar variation 654191 (VCV000654191.6), dbSNP rs1594456265, ClinGen allele CA381653026.

ClinVar aggregate classification (germline): Uncertain significance (1 of 4 stars; one submission).

Conditions:
Autosomal recessive distal spinal muscular atrophy 1. Also called: HMN VI; NEURONOPATHY, SEVERE INFANTILE AXONAL, WITH RESPIRATORY FAILURE; Spinal muscular atrophy with respiratory distress 1; SEVERE INFANTILE AXONAL NEUROPATHY WITH RESPIRATORY FAILURE; SPINAL MUSCULAR ATROPHY, DIAPHRAGMATIC; NEURONOPATHY, DISTAL HEREDITARY MOTOR, HARDING TYPE VI. Identifiers: Orphanet 98920, MedGen C1858517, MONDO:0011436, OMIM 604320.
Charcot-Marie-Tooth disease axonal type 2S. Also called: CHARCOT-MARIE-TOOTH NEUROPATHY, TYPE 2S; CHARCOT-MARIE-TOOTH DISEASE, AXONAL, AUTOSOMAL RECESSIVE, TYPE 2S. Identifiers: Orphanet 443073, MedGen C4015349, MONDO:0014511, OMIM 616155.

Allele frequency attached by ClinVar (database versions not stated): gnomAD exomes below 0.00001.

Submission:

Labcorp Genetics (formerly Invitae), Labcorp
Classification: Uncertain significance for Autosomal recessive distal spinal muscular atrophy 1; Charcot-Marie-Tooth disease axonal type 2S. Last evaluated: 2021-08-24. Review status: criteria provided, single submitter. Criteria: Invitae Variant Classification Sherloc (09022015). Collection method: clinical testing. Allele origin: germline.
Comment: This sequence change replaces glutamic acid with aspartic acid at codon 735 of the IGHMBP2 protein (p.Glu735Asp). The glutamic acid residue is weakly conserved and there is a small physicochemical difference between glutamic acid and aspartic acid. This variant is not present in population databases (ExAC no frequency). This variant has not been reported in the literature in individuals affected with IGHMBP2-related conditions. Algorithms developed to predict the effect of missense changes on protein structure and function output the following: SIFT: "Tolerated"; PolyPhen-2: "Benign"; Align-GVGD: "Class C0". The aspartic acid amino acid residue is found in multiple mammalian species, which suggests that this missense change does not adversely affect protein function. In summary, the available evidence is currently insufficient to determine the role of this variant in disease. Therefore, it has been classified as a Variant of Uncertain Significance.